The following is an entry in ClinVar:

ClinVar aggregate classification (germline): Uncertain significance (1 of 4 stars; one submission).

Allele frequency attached by ClinVar (database versions not stated): TOPMed 0.00005.
gnomAD v4.1: 97 of 1,548,252 alleles (0.0063%); highest among the groups gnomAD compares: Non-Finnish European, 0.0082%; no homozygotes.

Submission:

CeGaT Center for Human Genetics Tuebingen
Classification: Uncertain significance. Last evaluated: 2026-09-01. Review status: criteria provided, single submitter. Criteria: CeGaT Center For Human Genetics Tuebingen Variant Classification Criteria Version 2. Collection method: clinical testing. Allele origin: germline. Affected: yes. Observed: 2 variant alleles.
Comment: VPS16: PM2, BP4

NM_022575.4(VPS16):c.-6C>G

Genes: PCED1A (PC-esterase domain containing 1A; minus strand), VPS16 (VPS16 core subunit of CORVET and HOPS complexes; plus strand). Cytogenetic location: 20p13.
Variant type: single nucleotide variant.
Coding change: c.-6C>G on transcript NM_022575.4 (MANE Select); 6 bases upstream of the start codon, C replaced by G.
Molecular consequence: 5 prime UTR variant. On other transcripts: intron variant (1).
Genome position (GRCh38, 1-based): chr20:2,840,769, C>G. VCF-style: chr20-2840769-C-G. GRCh37 (hg19) VCF-style: chr20-2821415-C-G.
Other names: c.-6C>G (NM_080413.3); c.-22+97G>C (NM_001271168.2).
Identifiers: ClinVar variation 2498877 (VCV002498877.25), dbSNP rs567061093, ClinGen allele CA310931158.